The following is an entry in ClinVar:

NM_004004.6(GJB2):c.236T>C (p.Leu79Pro)

Gene: GJB2 (gap junction protein beta 2; minus strand). Cytogenetic location: 13q12.11.
Variant type: single nucleotide variant.
Coding change: c.236T>C on transcript NM_004004.6 (MANE Select); coding-DNA position 236, T replaced by C.
Protein change: p.Leu79Pro; replaces leucine 79 with proline.
Molecular consequence: missense variant.
Genome position (GRCh38, 1-based): chr13:20,189,346, A>G on the plus strand (T>C on the coding strand, the complement: GJB2 is on the minus strand). VCF-style: chr13-20189346-A-G. GRCh37 (hg19) VCF-style: chr13-20763485-A-G.
Other names: short protein forms L79P.
Identifiers: ClinVar variation 549949 (VCV000549949.3), dbSNP rs1555341957, ClinGen allele CA387461566.

ClinVar aggregate classification (germline): Uncertain significance. Review status: criteria provided, single submitter (1 of 4 stars). 2 submissions from 2 submitters: Uncertain significance (1). 1 of the submissions does not count toward it. Last evaluated 2024-09-20.

Conditions:
Autosomal recessive nonsyndromic hearing loss 1A (DFNB1A). Also called: Deafness, autosomal recessive 1A; GJB6-Related DFNB 1 Nonsyndromic Hearing Loss and Deafness; GJB2-Related Autosomal Recessive Nonsyndromic Hearing Loss; Connexin 26 deafness; Deafness nonsyndromic, Connexin 26 linked; Nonsyndromic Hearing Loss and Deafness, DFNB1. Identifiers: Orphanet 90636, MedGen C2673759, MONDO:0009076, OMIM 220290.

gnomAD v4.1: 1 of 1,614,140 alleles (0.000062%); highest among the groups gnomAD compares: Non-Finnish European, 0.000085%; no homozygotes.

Submissions (2):

Women's Health and Genetics/Laboratory Corporation of America, LabCorp
Classification: Uncertain significance. Last evaluated: 2024-09-20. Review status: criteria provided, single submitter. Criteria: LabCorp Variant Classification Summary - May 2015. Collection method: clinical testing. Allele origin: germline.
Comment: Variant summary: GJB2 c.236T>C (p.Leu79Pro) results in a non-conservative amino acid change located in the Connexin, N-terminal domain (IPR013092) of the encoded protein sequence. Five of five in-silico tools predict a damaging effect of the variant on protein function. The variant was absent in 251392 control chromosomes. The available data on variant occurrences in the general population are insufficient to allow any conclusion about variant significance. c.236T>C has been reported in the literature in at least one individual affected with Non-Syndromic Hearing Loss (Hamelmann_2001). These data do not allow any conclusion about variant significance. To our knowledge, no experimental evidence demonstrating an impact on protein function has been reported. The following publication have been ascertained in the context of this evaluation (PMID: 11439000). ClinVar contains an entry for this variant (Variation ID: 549949). Based on the evidence outlined above, the variant was classified as uncertain significance.

Counsyl
Classification: Uncertain significance for Autosomal recessive nonsyndromic hearing loss 1A. Last evaluated: 2017-03-15. Review status: no assertion criteria provided. Collection method: clinical testing. Allele origin: unknown. Not counted in ClinVar's aggregate classification.

Literature cited by the submitters: PubMed 11439000 (cited by Women's Health and Genetics/Laboratory Corporation of America, LabCorp and Counsyl).